The following is an entry in ClinVar:

NM_199420.4(POLQ):c.2784G>C (p.Lys928Asn)

Gene: POLQ (DNA polymerase theta; minus strand). Cytogenetic location: 3q13.33.
Variant type: single nucleotide variant.
Coding change: c.2784G>C on transcript NM_199420.4 (MANE Select); coding-DNA position 2784, G replaced by C.
Protein change: p.Lys928Asn; replaces lysine 928 with asparagine.
Molecular consequence: missense variant.
Genome position (GRCh38, 1-based): chr3:121,490,147, C>G on the plus strand (G>C on the coding strand, the complement: POLQ is on the minus strand). VCF-style: chr3-121490147-C-G. GRCh37 (hg19) VCF-style: chr3-121208994-C-G.
Other names: short protein forms K928N.
Identifiers: ClinVar variation 1795974 (VCV001795974.3), dbSNP rs2546788186, ClinGen allele CA354104630.

ClinVar aggregate classification (germline): Uncertain significance (1 of 4 stars; one submission).

Submission:

Ambry Genetics
Classification: Uncertain significance. Last evaluated: 2024-06-22. Review status: criteria provided, single submitter. Criteria: Ambry Variant Classification Scheme 2023. Collection method: clinical testing. Allele origin: germline.
Comment: The p.K928N variant (also known as c.2784G>C), located in coding exon 16 of the POLQ gene, results from a G to C substitution at nucleotide position 2784. The lysine at codon 928 is replaced by asparagine, an amino acid with similar properties. This amino acid position is conserved. In addition, this alteration is predicted to be tolerated by in silico analysis. Since supporting evidence is limited at this time, the clinical significance of this alteration remains unclear.